The following is an entry in ClinVar:

NM_006206.6(PDGFRA):c.2727C>A (p.Ile909=)

Gene: PDGFRA (platelet derived growth factor receptor alpha; plus strand). Cytogenetic location: 4q12.
Variant type: single nucleotide variant.
Coding change: c.2727C>A on transcript NM_006206.6 (MANE Select); coding-DNA position 2727, C replaced by A.
Protein change: p.Ile909=; no amino-acid change (isoleucine 909 retained).
Molecular consequence: synonymous variant.
Genome position (GRCh38, 1-based): chr4:54,288,851, C>A. VCF-style: chr4-54288851-C-A. GRCh37 (hg19) VCF-style: chr4-55155018-C-A.
Other names: c.2802C>A, p.Ile934= (NM_001347828.2); c.2727C>A, p.Ile909= (NM_001347829.2); c.2766C>A, p.Ile922= (NM_001347830.2).
Identifiers: ClinVar variation 2147420 (VCV002147420.6), dbSNP rs748667343, ClinGen allele CA2922927.

ClinVar aggregate classification (germline): Benign/Likely benign. Review status: criteria provided, multiple submitters, no conflicts (2 of 4 stars). 3 submissions from 3 submitters: Benign (1); Likely benign (2). Last evaluated 2026-06-17.

Conditions:
Gastrointestinal stromal tumor. Also called: Gastrointestinal stroma tumor; Gastrointestinal stromal tumor, somatic. Identifiers: Orphanet 44890, MedGen C0238198, MeSH D046152, MONDO:0011719, OMIM 606764, HP:0100723.
Polyps, multiple and recurrent inflammatory fibroid, gastrointestinal. Identifiers: MedGen C5193005, MONDO:0008285, OMIM 175510.
Hereditary cancer-predisposing syndrome. Also called: Hereditary Cancer Syndrome; Hereditary neoplastic syndrome; Neoplastic Syndromes, Hereditary; Tumor predisposition. Identifiers: Orphanet 140162, MedGen C0027672, MeSH D009386, MONDO:0015356.

Allele frequency attached by ClinVar (database versions not stated): gnomAD exomes below 0.00001; ExAC 0.00001; TOPMed 0.00001.
gnomAD v4.1: 4 of 1,613,518 alleles (0.00025%); highest among the groups gnomAD compares: South Asian, 0.0022%; no homozygotes.

Submissions (3):

Myriad Genetics, Inc.
Classification: Benign for Polyps, multiple and recurrent inflammatory fibroid, gastrointestinal. Last evaluated: 2026-06-17. Review status: criteria provided, single submitter. Criteria: Myriad Autosomal Dominant, Autosomal Recessive and X-Linked Classification Criteria (2023). Collection method: clinical testing. Allele origin: unknown.
Comment: This variant is considered benign. This variant is a silent/synonymous amino acid change and it is not expected to impact splicing.

Labcorp Genetics (formerly Invitae), Labcorp
Classification: Likely benign for Gastrointestinal stromal tumor. Last evaluated: 2025-04-30. Review status: criteria provided, single submitter. Criteria: Invitae Variant Classification Sherloc (09022015). Collection method: clinical testing. Allele origin: germline.

Ambry Genetics
Classification: Likely benign for Hereditary cancer-predisposing syndrome. Last evaluated: 2024-10-17. Review status: criteria provided, single submitter. Criteria: Ambry Variant Classification Scheme 2023. Collection method: clinical testing. Allele origin: germline.